The following is an entry in ClinVar:

ClinVar aggregate classification (germline): Conflicting classifications of pathogenicity. Review status: criteria provided, conflicting classifications (1 of 4 stars). 4 submissions from 4 submitters: Uncertain significance (3); Likely benign (1). Last evaluated 2025-09-13.

Allele frequency attached by ClinVar (database versions not stated): ExAC 0.00007; gnomAD exomes 0.00007; TOPMed 0.00020; gnomAD 0.00024 and 0.00025; ESP Exome Variant Server 0.00031; 1000 Genomes Project 0.00060; 1000 Genomes Project 30x 0.00078.
gnomAD v4.1: 69 of 1,614,166 alleles (0.0043%); highest among the groups gnomAD compares: African/African-American, 0.064%; 1 homozygote.

Submissions (4):

Labcorp Genetics (formerly Invitae), Labcorp
Classification: Likely benign. Last evaluated: 2025-09-13. Review status: criteria provided, single submitter. Criteria: Invitae Variant Classification Sherloc (09022015). Collection method: clinical testing. Allele origin: germline.

Revvity Omics, Revvity
Classification: Uncertain significance. Last evaluated: 2024-10-22. Review status: criteria provided, single submitter. Criteria: ACMG Guidelines, 2015. Collection method: clinical testing. Allele origin: germline.

Mayo Clinic Laboratories, Mayo Clinic
Classification: Uncertain significance. Last evaluated: 2023-11-03. Review status: criteria provided, single submitter. Criteria: ACMG Guidelines, 2015. Collection method: clinical testing. Allele origin: germline. Observed: 1 variant allele.
Comment: BP4

ARUP Laboratories, Molecular Genetics and Genomics, ARUP Laboratories
Classification: Uncertain significance. Last evaluated: 2019-10-07. Review status: criteria provided, single submitter. Criteria: ARUP Molecular Germline Variant Investigation Process. Collection method: clinical testing. Allele origin: germline.

NM_000342.4(SLC4A1):c.337G>A (p.Val113Ile)

Gene: SLC4A1 (solute carrier family 4 member 1 (Diego blood group); minus strand). Cytogenetic location: 17q21.31.
Variant type: single nucleotide variant.
Coding change: c.337G>A on transcript NM_000342.4 (MANE Select); coding-DNA position 337, G replaced by A.
Protein change: p.Val113Ile; replaces valine 113 with isoleucine.
Molecular consequence: missense variant.
Genome position (GRCh38, 1-based): chr17:44,260,647, C>T on the plus strand (G>A on the coding strand, the complement: SLC4A1 is on the minus strand). VCF-style: chr17-44260647-C-T. GRCh37 (hg19) VCF-style: chr17-42338015-C-T.
Other names: p.Val113Ile; short protein forms V113I.
Identifiers: ClinVar variation 711658 (VCV000711658.21), dbSNP rs142757938, ClinGen allele CA8600637.